The following is an entry in ClinVar:

NM_020928.2(ZSWIM6):c.2894G>A (p.Arg965His)

Gene: ZSWIM6 (zinc finger SWIM-type containing 6; plus strand). Cytogenetic location: 5q12.1.
Variant type: single nucleotide variant.
Coding change: c.2894G>A on transcript NM_020928.2 (MANE Select); coding-DNA position 2894, G replaced by A.
Protein change: p.Arg965His; replaces arginine 965 with histidine.
Molecular consequence: missense variant.
Genome position (GRCh38, 1-based): chr5:61,543,563, G>A. VCF-style: chr5-61543563-G-A. GRCh37 (hg19) VCF-style: chr5-60839390-G-A.
Other names: c.2894G>A (NM_020928.1); short protein forms R965H.
Identifiers: ClinVar variation 1361487 (VCV001361487.10), dbSNP rs1412183323, ClinGen allele CA359946394.

ClinVar aggregate classification (germline): Uncertain significance. Review status: criteria provided, multiple submitters, no conflicts (2 of 4 stars). 3 submissions from 3 submitters: Uncertain significance (3). Last evaluated 2025-12-16.

Conditions:
Inborn genetic diseases. Identifiers: MedGen C0950123, MeSH D030342.

Allele frequency attached by ClinVar (database versions not stated): gnomAD exomes 0.00001.
gnomAD v4.1: 20 of 1,551,394 alleles (0.0013%); highest among the groups gnomAD compares: African/African-American, 0.0041%; no homozygotes.

Submissions (3):

Labcorp Genetics (formerly Invitae), Labcorp
Classification: Uncertain significance. Last evaluated: 2025-12-16. Review status: criteria provided, single submitter. Criteria: Invitae Variant Classification Sherloc (09022015). Collection method: clinical testing. Allele origin: germline.
Comment: This sequence change replaces arginine, which is basic and polar, with histidine, which is basic and polar, at codon 965 of the ZSWIM6 protein (p.Arg965His). This variant is present in population databases (no rsID available, gnomAD 0.006%). This variant has not been reported in the literature in individuals affected with ZSWIM6-related conditions. ClinVar contains an entry for this variant (Variation ID: 1361487). Invitae Evidence Modeling of protein sequence and biophysical properties (such as structural, functional, and spatial information, amino acid conservation, physicochemical variation, residue mobility, and thermodynamic stability) indicates that this missense variant is not expected to disrupt ZSWIM6 protein function with a negative predictive value of 80%. In summary, the available evidence is currently insufficient to determine the role of this variant in disease. Therefore, it has been classified as a Variant of Uncertain Significance.

Ambry Genetics
Classification: Uncertain significance for Inborn genetic diseases. Last evaluated: 2025-06-24. Review status: criteria provided, single submitter. Criteria: Ambry Variant Classification Scheme 2023. Collection method: clinical testing. Allele origin: germline.

Breakthrough Genomics
Classification: Uncertain significance. Review status: criteria provided, single submitter. Criteria: ACMG Guidelines, 2015. Collection method: not provided. Allele origin: germline. Inheritance: Autosomal dominant inheritance. Affected: yes.